The following is an entry in ClinVar:

NM_003086.4(SNAPC4):c.1306G>A (p.Asp436Asn)

Gene: SNAPC4 (small nuclear RNA activating complex polypeptide 4; minus strand). Cytogenetic location: 9q34.3.
Variant type: single nucleotide variant.
Coding change: c.1306G>A on transcript NM_003086.4 (MANE Select); coding-DNA position 1306, G replaced by A.
Protein change: p.Asp436Asn; replaces aspartic acid 436 with asparagine.
Molecular consequence: missense variant.
Genome position (GRCh38, 1-based): chr9:136,387,504, C>T on the plus strand (G>A on the coding strand, the complement: SNAPC4 is on the minus strand). VCF-style: chr9-136387504-C-T. GRCh37 (hg19) VCF-style: chr9-139281956-C-T.
Other names: c.1306G>A, p.Asp436Asn (NM_001394201.1, NM_001394202.1, NM_001394203.1); short protein forms D436N.
Identifiers: ClinVar variation 3166900 (VCV003166900.2), dbSNP rs1177709176, ClinGen allele CA375538853.

ClinVar aggregate classification (germline): Uncertain significance. Review status: criteria provided, multiple submitters, no conflicts (2 of 4 stars). 2 submissions from 2 submitters: Uncertain significance (2). Last evaluated 2025-02-04.

Conditions:
Inborn genetic diseases. Identifiers: MedGen C0950123, MeSH D030342.

Allele frequency attached by ClinVar (database versions not stated): TOPMed 0.00002; gnomAD 0.00002.
gnomAD v4.1: 9 of 1,613,192 alleles (0.00056%); highest among the groups gnomAD compares: African/African-American, 0.004%; no homozygotes.

Submissions (2):

Labcorp Genetics (formerly Invitae), Labcorp
Classification: Uncertain significance. Last evaluated: 2025-02-04. Review status: criteria provided, single submitter. Criteria: Invitae Variant Classification Sherloc (09022015). Collection method: clinical testing. Allele origin: germline.
Comment: This sequence change replaces aspartic acid, which is acidic and polar, with asparagine, which is neutral and polar, at codon 436 of the SNAPC4 protein (p.Asp436Asn). This variant is present in population databases (no rsID available, gnomAD 0.008%). This variant has not been reported in the literature in individuals affected with SNAPC4-related conditions. ClinVar contains an entry for this variant (Variation ID: 3166900). An algorithm developed to predict the effect of missense changes on protein structure and function (PolyPhen-2) suggests that this variant is likely to be disruptive. In summary, the available evidence is currently insufficient to determine the role of this variant in disease. Therefore, it has been classified as a Variant of Uncertain Significance.

Ambry Genetics
Classification: Uncertain significance for Inborn genetic diseases. Last evaluated: 2022-06-03. Review status: criteria provided, single submitter. Criteria: Ambry Variant Classification Scheme 2023. Collection method: clinical testing. Allele origin: germline.